The following is an entry in ClinVar:

ClinVar aggregate classification (germline): Pathogenic/Likely pathogenic. Review status: criteria provided, multiple submitters, no conflicts (2 of 4 stars). 11 submissions from 11 submitters: Pathogenic (9); Likely pathogenic (1). 1 of the submissions does not count toward it. Last evaluated 2025-12-23.

Conditions:
SLC26A4-related disorder. Also called: SLC26A4-related condition; SLC26A4-related disorders.
Autosomal recessive nonsyndromic hearing loss 4 (DFNB4). Also called: Deafness, autosomal recessive 4, with enlarged vestibular aqueduct; Enlarged vestibular aqueduct, digenic; FOXI1-Related Pendred Syndrome; KCNJ10-Related Pendred Syndrome; DEAFNESS, AUTOSOMAL RECESSIVE 4, WITH ENLARGED VESTIBULAR AQUEDUCT, DIGENIC; Nonsyndromic enlarged vestibular aqueduct (NSEVA). Identifiers: Orphanet 90636, MedGen C3538946, MONDO:0010933, OMIM 600791.
Pendred syndrome (PDS). Also called: THYROID DYSHORMONOGENESIS 2B; THYROID HORMONOGENESIS, GENETIC DEFECT IN, 2B; Pendred's syndrome; Pendred Syndrome (PDS); DEAFNESS WITH GOITER; GOITER-DEAFNESS SYNDROME. Identifiers: Orphanet 705, MedGen C0271829, MONDO:0010134, OMIM 274600.

Allele frequency attached by ClinVar (database versions not stated): gnomAD exomes 0.00001 and 0.00002; gnomAD 0.00002; TOPMed 0.00001; ExAC 0.00002.
gnomAD v4.1: 20 of 1,609,920 alleles (0.0012%); highest among the groups gnomAD compares: African/African-American, 0.0053%; no homozygotes.

Submissions (11):

Labcorp Genetics (formerly Invitae), Labcorp
Classification: Pathogenic. Last evaluated: 2025-12-23. Review status: criteria provided, single submitter. Criteria: Invitae Variant Classification Sherloc (09022015). Collection method: clinical testing. Allele origin: germline.
Comment: This sequence change replaces serine, which is neutral and polar, with leucine, which is neutral and non-polar, at codon 448 of the SLC26A4 protein (p.Ser448Leu). This variant is present in population databases (rs747076316, gnomAD 0.01%). This missense change has been observed in individual(s) with SLC26A4-related diseases (PMID: 15933521, 17443271, 17697873, 18813951, 21557232, 21961810, 23965030, 24612839, 32447495). In at least one individual the data is consistent with being in trans (on the opposite chromosome) from a pathogenic variant. ClinVar contains an entry for this variant (Variation ID: 549979). An algorithm developed to predict the effect of missense changes on protein structure and function (PolyPhen-2) suggests that this variant is likely to be disruptive. For these reasons, this variant has been classified as Pathogenic.

Natera, Inc.
Classification: Pathogenic for Pendred syndrome. Last evaluated: 2025-11-04. Review status: criteria provided, single submitter. Criteria: Natera Variant Classification Schema (03/2026). Collection method: clinical testing. Allele origin: germline.
Comment: The c.1343C>T variant in SLC26A4 is a missense variant predicted to cause substitution of serine to leucine at amino acid 448. This variant is rare in the general population with a frequency below the threshold expected for the associated phenotype(s). This variant has been observed in one or more individuals affected with the associated recessive disease, as either homozygous or compound heterozygous with a second variant (PMID: 31427586, 17718863, 24612839). Computational prediction algorithms indicate this variant is likely to affect gene or protein function. Given the available evidence, this variant is classified as Pathogenic.

PreventionGenetics, part of Exact Sciences
Classification: Pathogenic for SLC26A4-related condition. Last evaluated: 2025-02-26. Review status: criteria provided, single submitter. Criteria: ACMG Guidelines, 2015. Collection method: clinical testing. Allele origin: germline.
Comment: The SLC26A4 c.1343C>T variant is predicted to result in the amino acid substitution p.Ser448Leu. This variant has been reported in the homozygous or compound heterozygous state along with a second pathogenic variant in multiple individuals with autosomal recessive SLC26A4-related conditions (Wu et al. 2005. PubMed ID: 15933521; Hu et al. 2007. PubMed ID: 17443271; Huang et al. 2011. PubMed ID: 21961810; Kahrizi et al. 2015. PubMed ID: 18813951; Ideura et al. 2019. PubMed ID: 31427586). This variant is reported in 0.011% of alleles in individuals of East Asian descent in gnomAD. This variant is consistently classified as likely pathogenic or pathogenic in ClinVar. This variant is interpreted as pathogenic.

GeneDx
Classification: Pathogenic. Last evaluated: 2024-11-01. Review status: criteria provided, single submitter. Criteria: GeneDx Variant Classification Process June 2021. Collection method: clinical testing. Allele origin: germline. Affected: yes.
Comment: In silico analysis supports that this missense variant has a deleterious effect on protein structure/function; This variant is associated with the following publications: (PMID: 25149764, 19040761, 17443271, 21961810, 15933521, 15905611, 17718863, 17697873, 23965030, 26004784, 21704276, 24913939, 22412181, 18316665, 24599119, 18813951, 22903915, 28222800, 28576516, 30275481, 27771369, 31427586, 32447495, 33597575, 34170635, 34628810, 35982127, 35816303)

Women's Health and Genetics/Laboratory Corporation of America, LabCorp
Classification: Pathogenic for Pendred syndrome. Last evaluated: 2024-07-10. Review status: criteria provided, single submitter. Criteria: LabCorp Variant Classification Summary - May 2015. Collection method: clinical testing. Allele origin: germline.
Comment: Variant summary: SLC26A4 c.1343C>T (p.Ser448Leu) results in a non-conservative amino acid change located in the SLC26A/SulP transporter domain (IPR011547) of the encoded protein sequence. Five of five in-silico tools predict a damaging effect of the variant on protein function. Consensus agreement among computation tools predict no significant impact on normal splicing. However, these predictions have yet to be confirmed by functional studies. The variant allele was found at a frequency of 2e-05 in 251068 control chromosomes. c.1343C>T has been reported in the literature in multiple individuals affected with Pendred Syndrome (examples: (Kahrizi_2015, Ideura_2019, Liu_2020).). These data indicate that the variant is very likely to be associated with disease. The following publications have been ascertained in the context of this evaluation (PMID: 18813951, 31427586, 32447495). ClinVar contains an entry for this variant (Variation ID: 549979). Based on the evidence outlined above, the variant was classified as pathogenic.

Fulgent Genetics
Classification: Pathogenic for Pendred syndrome; Autosomal recessive nonsyndromic hearing loss 4. Last evaluated: 2024-05-25. Review status: criteria provided, single submitter. Criteria: ACMG Guidelines, 2015. Collection method: clinical testing. Allele origin: germline.

Baylor Genetics
Classification: Pathogenic for Autosomal recessive nonsyndromic hearing loss 4. Last evaluated: 2024-01-18. Review status: criteria provided, single submitter. Criteria: ACMG Guidelines, 2015. Collection method: clinical testing. Allele origin: unknown.

Genetics and Molecular Pathology, SA Pathology
Classification: Pathogenic for Pendred syndrome. Last evaluated: 2022-02-21. Review status: criteria provided, single submitter. Criteria: ACMG Guidelines, 2015. Collection method: clinical testing. Allele origin: germline. Inheritance: Autosomal recessive inheritance. Affected: yes.

Blueprint Genetics
Classification: Likely pathogenic for SLC26A4-related disorders. Last evaluated: 2019-09-24. Review status: criteria provided, single submitter. Criteria: ACMG Guidelines, 2015. Collection method: clinical testing. Allele origin: germline. Affected: yes. Observed: 1 variant allele.

Juno Genomics, Hangzhou Juno Genomics, Inc
Classification: Pathogenic for Autosomal recessive nonsyndromic hearing loss 4; Pendred syndrome. Review status: criteria provided, single submitter. Criteria: ACMG Guidelines, 2015. Collection method: clinical testing. Allele origin: germline. Affected: yes.
Comment: Absent from controls (or at extremely low frequency if recessive) in Genome Aggregation Database, Exome Sequencing Project, 1000 Genomes Project, or Exome Aggregation Consortium.;For recessive disorders, detected in trans with a pathogenic variant.;Multiple lines of computational evidence support a deleterious effect on the gene or gene product (conservation, evolutionary, splicing impact, etc).

Counsyl
Classification: Likely pathogenic for Pendred syndrome. Last evaluated: 2017-04-24. Review status: no assertion criteria provided. Collection method: clinical testing. Allele origin: unknown. Not counted in ClinVar's aggregate classification.

Literature cited by the submitters: PubMed 15933521 (cited by Labcorp Genetics (formerly Invitae), Labcorp and Counsyl); PubMed 17443271 (cited by Labcorp Genetics (formerly Invitae), Labcorp and Counsyl); PubMed 17697873 (cited by Labcorp Genetics (formerly Invitae), Labcorp and Counsyl); PubMed 18813951 (cited by 3 submitters); PubMed 21557232 (cited by Labcorp Genetics (formerly Invitae), Labcorp); PubMed 21961810 (cited by Labcorp Genetics (formerly Invitae), Labcorp and Counsyl); PubMed 23965030 (cited by Labcorp Genetics (formerly Invitae), Labcorp); PubMed 24612839 (cited by Labcorp Genetics (formerly Invitae), Labcorp and Natera, Inc.); PubMed 32447495 (cited by Labcorp Genetics (formerly Invitae), Labcorp and Women's Health and Genetics/Laboratory Corporation of America, LabCorp); PubMed 31427586 (cited by Natera, Inc. and Women's Health and Genetics/Laboratory Corporation of America, LabCorp); PubMed 17718863 (cited by Natera, Inc.).

NM_000441.2(SLC26A4):c.1343C>T (p.Ser448Leu)

Gene: SLC26A4 (solute carrier family 26 member 4; plus strand). Cytogenetic location: 7q22.3.
Variant type: single nucleotide variant.
Coding change: c.1343C>T on transcript NM_000441.2 (MANE Select); coding-DNA position 1343, C replaced by T.
Protein change: p.Ser448Leu; replaces serine 448 with leucine.
Molecular consequence: missense variant.
Genome position (GRCh38, 1-based): chr7:107,694,622, C>T. VCF-style: chr7-107694622-C-T. GRCh37 (hg19) VCF-style: chr7-107335067-C-T.
Other names: short protein forms S448L.
Identifiers: ClinVar variation 549979 (VCV000549979.26), dbSNP rs747076316, ClinGen allele CA4432795.